The following is an entry in ClinVar:

NM_017777.4(MKS1):c.313T>C (p.Tyr105His)

Gene: MKS1 (MKS transition zone complex subunit 1; minus strand). Cytogenetic location: 17q22.
Variant type: single nucleotide variant.
Coding change: c.313T>C on transcript NM_017777.4 (MANE Select); coding-DNA position 313, T replaced by C.
Protein change: p.Tyr105His; replaces tyrosine 105 with histidine.
Molecular consequence: missense variant. On other transcripts: 5 prime UTR variant (1).
Genome position (GRCh38, 1-based): chr17:58,216,192, A>G on the plus strand (T>C on the coding strand, the complement: MKS1 is on the minus strand). VCF-style: chr17-58216192-A-G. GRCh37 (hg19) VCF-style: chr17-56293553-A-G.
Other names: c.-199T>C (NM_001321268.2); c.313T>C, p.Tyr105His (NM_001321269.2, NM_001330397.2); short protein forms Y105H.
Identifiers: ClinVar variation 1005342 (VCV001005342.9), dbSNP rs778921113, ClinGen allele CA8669567.

ClinVar aggregate classification (germline): Uncertain significance (1 of 4 stars; one submission).

Conditions:
Joubert syndrome. Also called: Familial aplasia of the vermis; CEREBELLOPARENCHYMAL DISORDER IV; JOUBERT-BOLTSHAUSER SYNDROME. Identifiers: Orphanet 475, MedGen C5979921, MONDO:0018772.
Meckel-Gruber syndrome. Also called: Dysencephalia splachnocystica; DYSENCEPHALIA SPLANCHNOCYSTICA; GRUBER SYNDROME. Identifiers: Orphanet 564, MedGen C0265215, MONDO:0018921.

Allele frequency attached by ClinVar (database versions not stated): TOPMed below 0.00001; ExAC 0.00001; gnomAD exomes 0.00001.
gnomAD v4.1: 3 of 1,614,070 alleles (0.00019%); highest among the groups gnomAD compares: Non-Finnish European, 0.00025%; no homozygotes.

Submission:

Labcorp Genetics (formerly Invitae), Labcorp
Classification: Uncertain significance for Joubert syndrome; Meckel-Gruber syndrome. Last evaluated: 2025-11-04. Review status: criteria provided, single submitter. Criteria: Invitae Variant Classification Sherloc (09022015). Collection method: clinical testing. Allele origin: germline.
Comment: This sequence change replaces tyrosine, which is neutral and polar, with histidine, which is basic and polar, at codon 105 of the MKS1 protein (p.Tyr105His). This variant is present in population databases (rs778921113, gnomAD 0.002%). This variant has not been reported in the literature in individuals affected with MKS1-related conditions. ClinVar contains an entry for this variant (Variation ID: 1005342). Invitae Evidence Modeling of protein sequence and biophysical properties (such as structural, functional, and spatial information, amino acid conservation, physicochemical variation, residue mobility, and thermodynamic stability) indicates that this missense variant is not expected to disrupt MKS1 protein function with a negative predictive value of 80%. In summary, the available evidence is currently insufficient to determine the role of this variant in disease. Therefore, it has been classified as a Variant of Uncertain Significance.